The following is an entry in ClinVar:

NM_006514.4(SCN10A):c.3413G>A (p.Gly1138Asp)

Genes: SCN10A (sodium voltage-gated channel alpha subunit 10; minus strand), LOC110121288 (VISTA enhancer hs2268; plus strand). Cytogenetic location: 3p22.2.
Variant type: single nucleotide variant.
Coding change: c.3413G>A on transcript NM_006514.4 (MANE Select); coding-DNA position 3413, G replaced by A.
Protein change: p.Gly1138Asp; replaces glycine 1138 with aspartic acid.
Molecular consequence: missense variant.
Genome position (GRCh38, 1-based): chr3:38,722,352, C>T on the plus strand (G>A on the coding strand, the complement: SCN10A is on the minus strand). VCF-style: chr3-38722352-C-T. GRCh37 (hg19) VCF-style: chr3-38763843-C-T.
Other names: c.3410G>A, p.Gly1137Asp (NM_001293306.2); c.3119G>A, p.Gly1040Asp (NM_001293307.2); short protein forms G1040D, G1137D, G1138D.
Identifiers: ClinVar variation 4753487 (VCV004753487.1).

ClinVar aggregate classification (germline): Uncertain significance (1 of 4 stars; one submission).

Conditions:
Brugada syndrome. Also called: Sudden unexpected nocturnal death syndrome; Sudden unexplained nocturnal death syndrome; Sudden Unexplained Death Syndrome; Sudden Unexplained Nocturnal Death Syndrome (SUNDS). Identifiers: Orphanet 130, MedGen C1142166, MONDO:0015263.

gnomAD v4.1: 6 of 1,614,118 alleles (0.00037%); highest among the groups gnomAD compares: South Asian, 0.0033%; no homozygotes.

Submission:

Labcorp Genetics (formerly Invitae), Labcorp
Classification: Uncertain significance for Brugada syndrome. Last evaluated: 2025-04-17. Review status: criteria provided, single submitter. Criteria: Invitae Variant Classification Sherloc (09022015). Collection method: clinical testing. Allele origin: germline.
Comment: This sequence change replaces glycine, which is neutral and non-polar, with aspartic acid, which is acidic and polar, at codon 1138 of the SCN10A protein (p.Gly1138Asp). This variant is present in population databases (no rsID available, gnomAD 0.003%). This variant has not been reported in the literature in individuals affected with SCN10A-related conditions. Invitae Evidence Modeling of protein sequence and biophysical properties (such as structural, functional, and spatial information, amino acid conservation, physicochemical variation, residue mobility, and thermodynamic stability) indicates that this missense variant is expected to disrupt SCN10A protein function with a positive predictive value of 80%. In summary, the available evidence is currently insufficient to determine the role of this variant in disease. Therefore, it has been classified as a Variant of Uncertain Significance.